The following is an entry in ClinVar:

ClinVar aggregate classification (germline): Uncertain significance (1 of 4 stars; one submission).

Conditions:
Nephronophthisis 15 (NPHP15). Identifiers: Orphanet 3156, MedGen C3541853, MONDO:0013917, OMIM 614845.

Allele frequency attached by ClinVar (database versions not stated): gnomAD exomes below 0.00001.
gnomAD v4.1: 2 of 1,614,240 alleles (0.00012%); highest among the groups gnomAD compares: South Asian, 0.0011%; no homozygotes.

Submission:

Labcorp Genetics (formerly Invitae), Labcorp
Classification: Uncertain significance for Nephronophthisis 15. Last evaluated: 2024-10-21. Review status: criteria provided, single submitter. Criteria: Invitae Variant Classification Sherloc (09022015). Collection method: clinical testing. Allele origin: germline.
Comment: This sequence change replaces valine, which is neutral and non-polar, with isoleucine, which is neutral and non-polar, at codon 352 of the CEP164 protein (p.Val352Ile). This variant is present in population databases (no rsID available, gnomAD 0.003%). This variant has not been reported in the literature in individuals affected with CEP164-related conditions. ClinVar contains an entry for this variant (Variation ID: 2160387). An algorithm developed to predict the effect of missense changes on protein structure and function outputs the following: PolyPhen-2: "Benign". The isoleucine amino acid residue is found in multiple mammalian species, which suggests that this missense change does not adversely affect protein function. In summary, the available evidence is currently insufficient to determine the role of this variant in disease. Therefore, it has been classified as a Variant of Uncertain Significance.

NM_014956.5(CEP164):c.1054G>A (p.Val352Ile)

Gene: CEP164 (centrosomal protein 164; plus strand). Cytogenetic location: 11q23.3.
Variant type: single nucleotide variant.
Coding change: c.1054G>A on transcript NM_014956.5 (MANE Select); coding-DNA position 1054, G replaced by A.
Protein change: p.Val352Ile; replaces valine 352 with isoleucine.
Molecular consequence: missense variant.
Genome position (GRCh38, 1-based): chr11:117,371,368, G>A. VCF-style: chr11-117371368-G-A. GRCh37 (hg19) VCF-style: chr11-117242084-G-A.
Other names: c.1054G>A, p.Val352Ile (NM_001271933.2); short protein forms V352I.
Identifiers: ClinVar variation 2160387 (VCV002160387.4), dbSNP rs1224263487, ClinGen allele CA382737821.